The following is an entry in ClinVar:

NM_003442.6(ZNF143):c.322G>A (p.Ala108Thr)

Gene: ZNF143 (zinc finger protein 143; plus strand). Cytogenetic location: 11p15.4.
Variant type: single nucleotide variant.
Coding change: c.322G>A on transcript NM_003442.6 (MANE Select); coding-DNA position 322, G replaced by A.
Protein change: p.Ala108Thr; replaces alanine 108 with threonine.
Molecular consequence: missense variant.
Genome position (GRCh38, 1-based): chr11:9,474,582, G>A. VCF-style: chr11-9474582-G-A. GRCh37 (hg19) VCF-style: chr11-9496129-G-A.
Other names: c.319G>A, p.Ala107Thr (NM_001282656.2); c.229G>A, p.Ala77Thr (NM_001282657.2); short protein forms A77T, A108T, A107T.
Identifiers: ClinVar variation 2176835 (VCV002176835.4), dbSNP rs1856773777, ClinGen allele CA379621378.
Genomic context (GRCh38, chr11:9,474,582, plus strand): 5'-AGATCTAAATGTAAGCATTGTTCTTGAGCAGGGGACAGTTTGCGTCTAGAGGATGGTCAA[G>A]CAGTACAGTTAGAAGATGGTACCACAGCATTTATTCACCACACCTCCAAAGGTAAAATAA-3'
Protein context (NP_003433.3, residues 98-118): GDSLRLEDGQ[Ala108Thr]VQLEDGTTAF

ClinVar aggregate classification (germline): Uncertain significance (1 of 4 stars; one submission).

Allele frequency attached by ClinVar (database versions not stated): gnomAD exomes below 0.00001; gnomAD 0.00001; TOPMed 0.00001.
gnomAD v4.1: 9 of 1,614,048 alleles (0.00056%); highest among the groups gnomAD compares: Admixed American, 0.0017%; no homozygotes.

Submission:

Labcorp Genetics (formerly Invitae), Labcorp
Classification: Uncertain significance. Last evaluated: 2022-02-21. Review status: criteria provided, single submitter. Criteria: Invitae Variant Classification Sherloc (09022015). Collection method: clinical testing. Allele origin: germline.
Comment: Algorithms developed to predict the effect of missense changes on protein structure and function (SIFT, PolyPhen-2, Align-GVGD) all suggest that this variant is likely to be tolerated. This variant has not been reported in the literature in individuals affected with ZNF143-related conditions. This variant is not present in population databases (gnomAD no frequency). This sequence change replaces alanine, which is neutral and non-polar, with threonine, which is neutral and polar, at codon 108 of the ZNF143 protein (p.Ala108Thr). In summary, the available evidence is currently insufficient to determine the role of this variant in disease. Therefore, it has been classified as a Variant of Uncertain Significance.